The following is an entry in ClinVar:

NM_000038.6(APC):c.8234C>T (p.Pro2745Leu)

Gene: APC (APC regulator of Wnt signaling pathway; plus strand). Cytogenetic location: 5q22.2.
Variant type: single nucleotide variant.
Coding change: c.8234C>T on transcript NM_000038.6 (MANE Select); coding-DNA position 8234, C replaced by T.
Protein change: p.Pro2745Leu; replaces proline 2745 with leucine.
Molecular consequence: missense variant.
Genome position (GRCh38, 1-based): chr5:112,843,828, C>T. VCF-style: chr5-112843828-C-T. GRCh37 (hg19) VCF-style: chr5-112179525-C-T.
Other names: c.8234C>T, p.Pro2745Leu (NM_001127510.3, NM_001354895.2); c.8180C>T, p.Pro2727Leu (NM_001127511.3); c.8288C>T, p.Pro2763Leu (NM_001354896.2); c.8264C>T, p.Pro2755Leu (NM_001354897.2); c.8159C>T, p.Pro2720Leu (NM_001354898.2); c.8150C>T, p.Pro2717Leu (NM_001354899.2); c.8111C>T, p.Pro2704Leu (NM_001354900.2); c.8057C>T, p.Pro2686Leu (NM_001354901.2); and 5 more; short protein forms P2727L, P2745L, P2585L, P2619L, P2755L, P2462L, P2644L, P2654L.
Identifiers: ClinVar variation 419470 (VCV000419470.26), dbSNP rs759421641, ClinGen allele CA050281.

ClinVar aggregate classification (germline): Uncertain significance. Review status: criteria provided, multiple submitters, no conflicts (2 of 4 stars). 8 submissions from 8 submitters: Uncertain significance (8). Last evaluated 2025-11-26.

Conditions:
Classic or attenuated familial adenomatous polyposis. Identifiers: MedGen CN372698, MONDO:0021057.
Attenuated familial adenomatous polyposis (AFAP). Also called: Attenuated FAP. Identifiers: Orphanet 220460, MedGen C2674616, MONDO:0016362.
Familial adenomatous polyposis 1 (FAP1). Also called: FAMILIAL ADENOMATOUS POLYPOSIS 1, ATTENUATED; POLYPOSIS, ADENOMATOUS INTESTINAL. Identifiers: MedGen C2713442, MONDO:0021056, OMIM 175100. Disease mechanism: loss of function.
Gastric adenocarcinoma and proximal polyposis of the stomach (GAPPS). Also called: Polyposis, gastric, Dos Santos and de Magalhaes 1980; POLYPOSIS, GASTRIC; Gastric Adenocarcinoma and Proximal Polyposis of the Stomach (GAPPS). Identifiers: Orphanet 314022, MedGen C4749917, MONDO:0017790, OMIM 619182.
Hereditary cancer-predisposing syndrome. Also called: Hereditary Cancer Syndrome; Tumor predisposition; Hereditary neoplastic syndrome; Neoplastic Syndromes, Hereditary. Identifiers: Orphanet 140162, MedGen C0027672, MeSH D009386, MONDO:0015356.

Allele frequency attached by ClinVar (database versions not stated): gnomAD exomes below 0.00001 and 0.00001; ExAC 0.00001; TOPMed 0.00001; gnomAD 0.00002 and 0.00003.
gnomAD v4.1: 4 of 1,613,964 alleles (0.00025%); highest among the groups gnomAD compares: Admixed American, 0.0017%; no homozygotes.

Submissions (8):

Labcorp Genetics (formerly Invitae), Labcorp
Classification: Uncertain significance for Familial adenomatous polyposis 1. Last evaluated: 2025-11-26. Review status: criteria provided, single submitter. Criteria: Invitae Variant Classification Sherloc (09022015). Collection method: clinical testing. Allele origin: germline.
Comment: This sequence change replaces proline, which is neutral and non-polar, with leucine, which is neutral and non-polar, at codon 2745 of the APC protein (p.Pro2745Leu). This variant is present in population databases (rs759421641, gnomAD 0.002%). This variant has not been reported in the literature in individuals affected with APC-related conditions. ClinVar contains an entry for this variant (Variation ID: 419470). Invitae Evidence Modeling of protein sequence and biophysical properties (such as structural, functional, and spatial information, amino acid conservation, physicochemical variation, residue mobility, and thermodynamic stability) indicates that this missense variant is not expected to disrupt APC protein function with a negative predictive value of 95%. In summary, the available evidence is currently insufficient to determine the role of this variant in disease. Therefore, it has been classified as a Variant of Uncertain Significance.

All of Us Research Program, National Institutes of Health
Classification: Uncertain significance for Classic or attenuated familial adenomatous polyposis. Last evaluated: 2024-05-14. Review status: criteria provided, single submitter. Criteria: ACMG Guidelines, 2015. Collection method: clinical testing. Allele origin: germline. Inheritance: Autosomal dominant inheritance. Observed: 2 variant alleles, 2 heterozygotes.
Comment: This missense variant replaces proline with leucine at codon 2745 in the APC protein. Computational prediction suggests that this variant may not impact protein structure and function (internally defined REVEL score threshold <= 0.5, PMID: 27666373). To our knowledge, functional studies have not been reported for this variant. This variant has been reported in an individual affected with kidney cancer (PMID: 29684080). This variant has been identified in 2/251148 chromosomes in the general population by the Genome Aggregation Database (gnomAD). The available evidence is insufficient to determine the role of this variant in disease conclusively. Therefore, this variant is classified as a Variant of Uncertain Significance.

This study involves interpretation of variants in research participants for the purpose of population health screening. Participant phenotype was not available at the time of variant classification. Additional details can be found in publication PMID: 35346344, PMCID: PMC8962531

Ambry Genetics
Classification: Uncertain significance for Hereditary cancer-predisposing syndrome. Last evaluated: 2024-02-28. Review status: criteria provided, single submitter. Criteria: Ambry Variant Classification Scheme 2023. Collection method: clinical testing. Allele origin: germline.
Comment: The p.P2745L variant (also known as c.8234C>T), located in coding exon 15 of the APC gene, results from a C to T substitution at nucleotide position 8234. The proline at codon 2745 is replaced by leucine, an amino acid with similar properties. In a study of whole-exome sequencing in patients with features of Cowden syndrome (CS) or Bannayan-Riley-Ruvalcaba syndrome (BRRS) and negative PTEN testing, this alteration was identified in 0/87 patients with CS or BRRS and 1/3476 patients from The Cancer Genome Atlas (TCGA) (Yehia L et al. PLoS Genet, 2018 04;14:e1007352). This amino acid position is not well conserved in available vertebrate species. In addition, in silico predictors for this gene do not accurately predict pathogenicity. Since supporting evidence is limited at this time, the clinical significance of this alteration remains unclear.

Baylor Genetics
Classification: Uncertain significance for Familial adenomatous polyposis 1. Last evaluated: 2023-12-20. Review status: criteria provided, single submitter. Criteria: ACMG Guidelines, 2015. Collection method: clinical testing. Allele origin: unknown.

Color Diagnostics, LLC DBA Color Health
Classification: Uncertain significance for Hereditary cancer-predisposing syndrome. Last evaluated: 2023-10-02. Review status: criteria provided, single submitter. Criteria: ACMG Guidelines, 2015. Collection method: clinical testing. Allele origin: germline.
Comment: This missense variant replaces proline with leucine at codon 2745 in the APC protein. Computational prediction suggests that this variant may not impact protein structure and function (internally defined REVEL score threshold <= 0.5, PMID: 27666373). To our knowledge, functional studies have not been reported for this variant. This variant has been reported in an individual affected with kidney cancer (PMID: 29684080). This variant has been identified in 2/251148 chromosomes in the general population by the Genome Aggregation Database (gnomAD). The available evidence is insufficient to determine the role of this variant in disease conclusively. Therefore, this variant is classified as a Variant of Uncertain Significance.

St. Jude Molecular Pathology, St. Jude Children's Research Hospital
Classification: Uncertain significance for Familial adenomatous polyposis 1. Last evaluated: 2023-03-13. Review status: criteria provided, single submitter. Criteria: St. Jude Assertion Criteria 2020. Collection method: clinical testing. Allele origin: germline.
Comment: The APC c.8234C>T (p.Pro2745Leu) missense change has a maximum subpopulation frequency of 0.0018% in gnomAD v2.1.1. The in silico tool REVEL predicts a benign effect of this variant on protein function, but to our knowledge functional studies have not been performed. To our knowledge, this variant has not been reported in individuals with APC-related familial adenomatous polyposis. In summary, the evidence currently available is insufficient to determine the clinical significance of this variant. It has therefore been classified as of uncertain significance.?

GeneDx
Classification: Uncertain significance. Last evaluated: 2018-10-12. Review status: criteria provided, single submitter. Criteria: GeneDx Variant Classification (06012015). Collection method: clinical testing. Allele origin: germline. Affected: yes.
Comment: This variant is denoted APC c.8234C>T at the cDNA level, p.Pro2745Leu (P2745L) at the protein level, and results in the change of a Proline to a Leucine (CCT>CTT). This variant has been observed in at least one individual with renal cell carcinoma (Yehia 2018). APC Pro2745Leu was not observed at a significant allele frequency in large population cohorts (Lek 2016). APC Pro2745Leu is located in EB1 binding domain (Azzopardi 2008). In-silico analyses, including protein predictors and evolutionary conservation, support that this variant does not alter protein structure or function. Based on currently available evidence, it is unclear whether APC Pro2745Leu is a pathogenic or benign variant. We consider it to be a variant of uncertain significance.

Quest Diagnostics Nichols Institute San Juan Capistrano
Classification: Uncertain significance. Last evaluated: 2018-04-07. Review status: criteria provided, single submitter. Criteria: Quest Diagnostics criteria. Collection method: clinical testing. Allele origin: germline.

Literature cited by the submitters: PubMed 29684080 (cited by 3 submitters).